The following is an entry in ClinVar:

ClinVar aggregate classification (germline): Likely benign. Review status: criteria provided, multiple submitters, no conflicts (2 of 4 stars). 2 submissions from 2 submitters: Likely benign (2). Last evaluated 2026-05-27.

Conditions:
TFG-related disorder. Also called: TFG-related condition; TFG-related disorders.
Hereditary spastic paraplegia 57. Also called: Spastic paraplegia 57, autosomal recessive. Identifiers: Orphanet 431329, MedGen C3714897, MONDO:0014295, OMIM 615658.
Hereditary motor and sensory neuropathy, Okinawa type (HMSNO). Also called: HEREDITARY MOTOR AND SENSORY NEUROPATHY, PROXIMAL TYPE. Identifiers: Orphanet 90117, MedGen C1858338, MONDO:0011468, OMIM 604484.

gnomAD v4.1: 122 of 1,613,804 alleles (0.0076%); highest among the groups gnomAD compares: Middle Eastern, 0.016%; no homozygotes.

Submissions (2):

PreventionGenetics, part of Exact Sciences
Classification: Likely benign for TFG-related condition. Last evaluated: 2026-05-27. Review status: criteria provided, single submitter. Criteria: ACMG Guidelines, 2015. Collection method: clinical testing. Allele origin: germline.
Comment: This variant is classified as likely benign based on ACMG/AMP sequence variant interpretation guidelines (Richards et al. 2015 PMID: 25741868, with internal and published modifications).

Labcorp Genetics (formerly Invitae), Labcorp
Classification: Likely benign for Hereditary motor and sensory neuropathy, Okinawa type; Hereditary spastic paraplegia 57. Last evaluated: 2025-12-15. Review status: criteria provided, single submitter. Criteria: Invitae Variant Classification Sherloc (09022015). Collection method: clinical testing. Allele origin: germline.

NM_006070.6(TFG):c.663C>T (p.Gly221=)

Gene: TFG (trafficking from ER to golgi regulator; plus strand). Cytogenetic location: 3q12.2.
Variant type: single nucleotide variant.
Coding change: c.663C>T on transcript NM_006070.6 (MANE Select); coding-DNA position 663, C replaced by T.
Protein change: p.Gly221=; no amino-acid change (glycine 221 retained).
Molecular consequence: synonymous variant.
Genome position (GRCh38, 1-based): chr3:100,736,658, C>T. VCF-style: chr3-100736658-C-T. GRCh37 (hg19) VCF-style: chr3-100455502-C-T.
Other names: c.663C>T, p.Gly221= (NM_001007565.2, NM_001195478.2, NM_001195479.2).
Identifiers: ClinVar variation 705892 (VCV000705892.11), dbSNP rs140669729, ClinGen allele CA2517145.